The following is an entry in ClinVar:

ClinVar aggregate classification (germline): Uncertain significance (1 of 4 stars; one submission).

Conditions:
Early-infantile DEE. Also called: Early infantile epileptic encephalopathy; Ohtahara syndrome; Early infantile epileptic encephalopathy with suppression bursts. Identifiers: Orphanet 1934, MedGen C0393706, MONDO:0800491.

Submission:

Labcorp Genetics (formerly Invitae), Labcorp
Classification: Uncertain significance for Early-infantile DEE. Last evaluated: 2022-06-13. Review status: criteria provided, single submitter. Criteria: Invitae Variant Classification Sherloc (09022015). Collection method: clinical testing. Allele origin: germline.
Comment: In summary, the available evidence is currently insufficient to determine the role of this variant in disease. Therefore, it has been classified as a Variant of Uncertain Significance. Algorithms developed to predict the effect of sequence changes on RNA splicing suggest that this variant may create or strengthen a splice site. Advanced modeling of protein sequence and biophysical properties (such as structural, functional, and spatial information, amino acid conservation, physicochemical variation, residue mobility, and thermodynamic stability) performed at Invitae indicates that this missense variant is expected to disrupt SCN1A protein function. This variant has not been reported in the literature in individuals affected with SCN1A-related conditions. This variant is not present in population databases (gnomAD no frequency). This sequence change replaces cysteine, which is neutral and slightly polar, with tryptophan, which is neutral and slightly polar, at codon 136 of the SCN1A protein (p.Cys136Trp).

NM_001165963.4(SCN1A):c.408C>G (p.Cys136Trp)

Gene: SCN1A (sodium voltage-gated channel alpha subunit 1; minus strand). Cytogenetic location: 2q24.3.
Variant type: single nucleotide variant.
Coding change: c.408C>G on transcript NM_001165963.4 (MANE Select); coding-DNA position 408, C replaced by G.
Protein change: p.Cys136Trp; replaces cysteine 136 with tryptophan.
Molecular consequence: missense variant. On other transcripts: 5 prime UTR variant (1), non-coding transcript variant (1).
Genome position (GRCh38, 1-based): chr2:166,056,476, G>C on the plus strand (C>G on the coding strand, the complement: SCN1A is on the minus strand). VCF-style: chr2-166056476-G-C. GRCh37 (hg19) VCF-style: chr2-166912986-G-C.
Other names: c.408C>G, p.Cys136Trp (NM_001165964.3, NM_001202435.3, NM_001353948.2 and 10 more transcripts); c.-2018C>G (NM_001353961.2); short protein forms C136W.
Identifiers: ClinVar variation 2005622 (VCV002005622.4), dbSNP rs188021041, ClinGen allele CA349076081.
Genomic context (GRCh38, chr2:166,056,476, plus strand): 5'-ATTCTTTGTCCAATCAGGAGGGTTACTCATTGTCATAAACACACAGTTTGTCAAAATAGT[G>C]CACATAATTAGCATGCTGAATAATGTAGGTTATTGTTAAGGAACACACAAAAGAAAATCA-3'
Protein context (NP_001159435.1, residues 126-146): VHSLFSMLIM[Cys136Trp]TILTNCVFMT